The following is an entry in ClinVar:

ClinVar aggregate classification (germline): Uncertain significance (1 of 4 stars; one submission).

Conditions:
Ullrich congenital muscular dystrophy 2 (UCMD2). Identifiers: Orphanet 75840, MedGen C4225314, MONDO:0014654, OMIM 616470.
Bethlem myopathy 2 (BTHLM2). Identifiers: Orphanet 536516, Orphanet 610, MedGen C4225313, MONDO:0034022, OMIM 616471.

gnomAD v4.1: 1 of 1,614,076 alleles (0.000062%); highest among the groups gnomAD compares: Non-Finnish European, 0.000085%; no homozygotes.

Submission:

Labcorp Genetics (formerly Invitae), Labcorp
Classification: Uncertain significance for Bethlem myopathy 2; Ullrich congenital muscular dystrophy 2. Last evaluated: 2022-08-16. Review status: criteria provided, single submitter. Criteria: Invitae Variant Classification Sherloc (09022015). Collection method: clinical testing. Allele origin: germline.
Comment: Algorithms developed to predict the effect of missense changes on protein structure and function are either unavailable or do not agree on the potential impact of this missense change (SIFT: "Deleterious"; PolyPhen-2: "Possibly Damaging"; Align-GVGD: "Class C0"). ClinVar contains an entry for this variant (Variation ID: 1058838). This variant has not been reported in the literature in individuals affected with COL12A1-related conditions. This variant is not present in population databases (gnomAD no frequency). This sequence change replaces aspartic acid, which is acidic and polar, with tyrosine, which is neutral and polar, at codon 1955 of the COL12A1 protein (p.Asp1955Tyr). Algorithms developed to predict the effect of sequence changes on RNA splicing suggest that this variant may create or strengthen a splice site. In summary, the available evidence is currently insufficient to determine the role of this variant in disease. Therefore, it has been classified as a Variant of Uncertain Significance.

NM_004370.6(COL12A1):c.5863G>T (p.Asp1955Tyr)

Gene: COL12A1 (collagen type XII alpha 1 chain; minus strand). Cytogenetic location: 6q13.
Variant type: single nucleotide variant.
Coding change: c.5863G>T on transcript NM_004370.6 (MANE Select); coding-DNA position 5863, G replaced by T.
Protein change: p.Asp1955Tyr; replaces aspartic acid 1955 with tyrosine.
Molecular consequence: missense variant.
Genome position (GRCh38, 1-based): chr6:75,132,014, C>A on the plus strand (G>T on the coding strand, the complement: COL12A1 is on the minus strand). VCF-style: chr6-75132014-C-A. GRCh37 (hg19) VCF-style: chr6-75841730-C-A.
Other names: c.2371G>T, p.Asp791Tyr (NM_080645.3); short protein forms D1955Y, D791Y.
Identifiers: ClinVar variation 1058838 (VCV001058838.9), dbSNP rs2149385355, ClinGen allele CA364732932.